The following is an entry in ClinVar:

NM_014141.6(CNTNAP2):c.814G>A (p.Asp272Asn)

Gene: CNTNAP2 (contactin associated protein 2; plus strand). Cytogenetic location: 7q35.
Variant type: single nucleotide variant.
Coding change: c.814G>A on transcript NM_014141.6 (MANE Select); coding-DNA position 814, G replaced by A.
Protein change: p.Asp272Asn; replaces aspartic acid 272 with asparagine.
Molecular consequence: missense variant.
Genome position (GRCh38, 1-based): chr7:147,121,038, G>A. VCF-style: chr7-147121038-G-A. GRCh37 (hg19) VCF-style: chr7-146818130-G-A.
Other names: short protein forms D272N.
Identifiers: ClinVar variation 1508162 (VCV001508162.8), dbSNP rs2129282713, ClinGen allele CA369923834.

ClinVar aggregate classification (germline): Uncertain significance (1 of 4 stars; one submission).

Conditions:
Cortical dysplasia-focal epilepsy syndrome (PTHSL1). Also called: Pitt-Hopkins-like syndrome 1. Identifiers: Orphanet 163681, Orphanet 221150, MedGen C2750246, MONDO:0012400, OMIM 610042.

Submission:

Labcorp Genetics (formerly Invitae), Labcorp
Classification: Uncertain significance for Cortical dysplasia-focal epilepsy syndrome. Last evaluated: 2025-02-17. Review status: criteria provided, single submitter. Criteria: Invitae Variant Classification Sherloc (09022015). Collection method: clinical testing. Allele origin: germline.
Comment: This sequence change replaces aspartic acid, which is acidic and polar, with asparagine, which is neutral and polar, at codon 272 of the CNTNAP2 protein (p.Asp272Asn). This variant is not present in population databases (gnomAD no frequency). This variant has not been reported in the literature in individuals affected with CNTNAP2-related conditions. ClinVar contains an entry for this variant (Variation ID: 1508162). An algorithm developed to predict the effect of missense changes on protein structure and function (PolyPhen-2) suggests that this variant is likely to be disruptive. In summary, the available evidence is currently insufficient to determine the role of this variant in disease. Therefore, it has been classified as a Variant of Uncertain Significance.